The following is an entry in ClinVar:

ClinVar aggregate classification (germline): Pathogenic (1 of 4 stars; one submission).

Conditions:
Autoinflammatory syndrome, familial, Behcet-like 1 (AIFBL1). Also called: Haploinsufficiency of A20. Identifiers: Orphanet 674762, MedGen C4225218, MONDO:0800045, OMIM 616744.

Submission:

Labcorp Genetics (formerly Invitae), Labcorp
Classification: Pathogenic. Last evaluated: 2022-12-04. Review status: criteria provided, single submitter. Criteria: Invitae Variant Classification Sherloc (09022015). Collection method: clinical testing. Allele origin: germline.
Comment: This variant has not been reported in the literature in individuals affected with TNFAIP3-related conditions. For these reasons, this variant has been classified as Pathogenic. This variant is not present in population databases (gnomAD no frequency). This sequence change creates a premature translational stop signal (p.Trp317Glyfs*26) in the TNFAIP3 gene. It is expected to result in an absent or disrupted protein product. Loss-of-function variants in TNFAIP3 are known to be pathogenic (PMID: 26642243).

Literature cited by the submitters: PubMed 26642243 (cited by Labcorp Genetics (formerly Invitae), Labcorp).

NM_001270508.2(TNFAIP3):c.948del (p.Trp317fs)

Gene: TNFAIP3 (TNF alpha induced protein 3; plus strand). Cytogenetic location: 6q23.3.
Variant type: Deletion.
Coding change: c.948del on transcript NM_001270508.2 (MANE Select); coding-DNA position 948, one base deleted (C; older notation c.948delC).
Protein change: p.Trp317fs; shifts the reading frame from tryptophan 317.
Molecular consequence: frameshift variant.
Genome position (GRCh38, 1-based): chr6:137,877,218, C deleted. VCF-style (leftmost placement, unchanged base first): chr6-137877217-GC-G. GRCh37 (hg19) VCF-style: chr6-138198354-GC-G.
Other names: c.948del (NM_006290.3); c.948del, p.Trp317fs (NM_001270507.2, NM_006290.4); short protein forms W317fs.
Identifiers: ClinVar variation 2036768 (VCV002036768.5), dbSNP rs2482743566, ClinGen allele CA2579984139.